The following is an entry in ClinVar:

ClinVar aggregate classification (germline): Likely benign. Review status: criteria provided, multiple submitters, no conflicts (2 of 4 stars). 3 submissions from 3 submitters: Likely benign (3). Last evaluated 2022-08-18.

Conditions:
Neurofibromatosis, type 1 (NF1). Also called: NEUROFIBROMATOSIS, TYPE I, SOMATIC; Peripheral type neurofibromatosis; Neurofibromatosis, type I; VON RECKLINGHAUSEN DISEASE. Identifiers: Orphanet 636, MedGen C0027831, MONDO:0018975, OMIM 162200. Disease mechanism: loss of function.
Hereditary cancer-predisposing syndrome. Also called: Neoplastic Syndromes, Hereditary; Hereditary neoplastic syndrome; Tumor predisposition; Hereditary Cancer Syndrome. Identifiers: Orphanet 140162, MedGen C0027672, MeSH D009386, MONDO:0015356.
Cardiovascular phenotype. Identifiers: MedGen CN230736.

Submissions (3):

Labcorp Genetics (formerly Invitae), Labcorp
Classification: Likely benign for Neurofibromatosis, type 1. Last evaluated: 2022-08-18. Review status: criteria provided, single submitter. Criteria: Invitae Variant Classification Sherloc (09022015). Collection method: clinical testing. Allele origin: germline.

Ambry Genetics
Classification: Likely benign for Cardiovascular phenotype; Hereditary cancer-predisposing syndrome. Last evaluated: 2021-02-02. Review status: criteria provided, single submitter. Criteria: Ambry Variant Classification Scheme 2023. Collection method: clinical testing. Allele origin: germline.

GeneDx
Classification: Likely benign. Last evaluated: 2016-08-16. Review status: criteria provided, single submitter. Criteria: GeneDx Variant Classification (06012015). Collection method: clinical testing. Allele origin: germline. Affected: yes.
Comment: This variant is considered likely benign or benign based on one or more of the following criteria: it is a conservative change, it occurs at a poorly conserved position in the protein, it is predicted to be benign by multiple in silico algorithms, and/or has population frequency not consistent with disease.

NM_001042492.3(NF1):c.1728A>G (p.Gln576=)

Gene: NF1 (neurofibromin 1; plus strand). Cytogenetic location: 17q11.2.
Variant type: single nucleotide variant.
Coding change: c.1728A>G on transcript NM_001042492.3 (MANE Select); coding-DNA position 1728, A replaced by G.
Protein change: p.Gln576=; no amino-acid change (glutamine 576 retained).
Molecular consequence: synonymous variant.
Genome position (GRCh38, 1-based): chr17:31,223,450, A>G. VCF-style: chr17-31223450-A-G. GRCh37 (hg19) VCF-style: chr17-29550468-A-G.
Other names: c.1728A>G, p.Gln576= (NM_000267.4).
Identifiers: ClinVar variation 388705 (VCV000388705.8), dbSNP rs1057523206, ClinGen allele CA16607560.